The following is an entry in ClinVar:

ClinVar aggregate classification (germline): Uncertain significance (1 of 4 stars; one submission).

Submission:

Labcorp Genetics (formerly Invitae), Labcorp
Classification: Uncertain significance. Last evaluated: 2022-12-23. Review status: criteria provided, single submitter. Criteria: Invitae Variant Classification Sherloc (09022015). Collection method: clinical testing. Allele origin: germline.
Comment: This sequence change replaces arginine, which is basic and polar, with glycine, which is neutral and non-polar, at codon 2129 of the CPLANE1 protein (p.Arg2129Gly). This variant is not present in population databases (gnomAD no frequency). This variant has not been reported in the literature in individuals affected with CPLANE1-related conditions. Advanced modeling of protein sequence and biophysical properties (such as structural, functional, and spatial information, amino acid conservation, physicochemical variation, residue mobility, and thermodynamic stability) performed at Invitae indicates that this missense variant is not expected to disrupt CPLANE1 protein function. In summary, the available evidence is currently insufficient to determine the role of this variant in disease. Therefore, it has been classified as a Variant of Uncertain Significance.

NM_001384732.1(CPLANE1):c.6385A>G (p.Arg2129Gly)

Gene: CPLANE1 (ciliogenesis and planar polarity effector complex subunit 1; minus strand). Cytogenetic location: 5p13.2.
Variant type: single nucleotide variant.
Coding change: c.6385A>G on transcript NM_001384732.1 (MANE Select); coding-DNA position 6385, A replaced by G.
Protein change: p.Arg2129Gly; replaces arginine 2129 with glycine.
Molecular consequence: missense variant.
Genome position (GRCh38, 1-based): chr5:37,170,118, T>C on the plus strand (A>G on the coding strand, the complement: CPLANE1 is on the minus strand). VCF-style: chr5-37170118-T-C. GRCh37 (hg19) VCF-style: chr5-37170220-T-C.
Other names: c.6385A>G, p.Arg2129Gly (NM_023073.4); short protein forms R2129G.
Identifiers: ClinVar variation 2102032 (VCV002102032.4), dbSNP rs2547599040, ClinGen allele CA359481573.